The following is an entry in ClinVar:

NM_005422.4(TECTA):c.2739C>T (p.Gly913=)

Genes: TBCEL-TECTA (TBCEL-TECTA readthrough; plus strand), TECTA (tectorin alpha; plus strand), LOC126861365 (P300/CBP strongly-dependent group 1 enhancer GRCh37_chr11:121000154-121001353; plus strand). Cytogenetic location: 11q23.3.
Variant type: single nucleotide variant.
Coding change: c.2739C>T on transcript NM_005422.4 (MANE Select); coding-DNA position 2739, C replaced by T.
Protein change: p.Gly913=; no amino-acid change (glycine 913 retained).
Molecular consequence: synonymous variant.
Genome position (GRCh38, 1-based): chr11:121,130,009, C>T. VCF-style: chr11-121130009-C-T. GRCh37 (hg19) VCF-style: chr11-121000718-C-T.
Other names: c.3696C>T, p.Gly1232= (NM_001378761.1).
Identifiers: ClinVar variation 165357 (VCV000165357.10), dbSNP rs727503460, ClinGen allele CA178095.

ClinVar aggregate classification (germline): Likely benign. Review status: criteria provided, multiple submitters, no conflicts (2 of 4 stars). 4 submissions from 4 submitters: Likely benign (4). Last evaluated 2024-03-29.

Allele frequency attached by ClinVar (database versions not stated): gnomAD 0.00001; gnomAD exomes 0.00001 and 0.00002; TOPMed 0.00001; ExAC 0.00003.
gnomAD v4.1: 20 of 1,608,370 alleles (0.0012%); highest among the groups gnomAD compares: Admixed American, 0.005%; no homozygotes.

Submissions (4):

Blueprint Genetics
Classification: Likely benign. Last evaluated: 2024-03-29. Review status: criteria provided, single submitter. Criteria: ACMG Guidelines, 2015. Collection method: clinical testing. Allele origin: germline.

Labcorp Genetics (formerly Invitae), Labcorp
Classification: Likely benign. Last evaluated: 2023-01-20. Review status: criteria provided, single submitter. Criteria: Invitae Variant Classification Sherloc (09022015). Collection method: clinical testing. Allele origin: germline.

PreventionGenetics, part of Exact Sciences
Classification: Likely benign. Last evaluated: 2016-03-03. Review status: criteria provided, single submitter. Criteria: ACMG Guidelines, 2015. Collection method: clinical testing. Allele origin: germline.

Laboratory for Molecular Medicine, Mass General Brigham Personalized Medicine
Classification: Likely benign. Last evaluated: 2013-04-06. Review status: criteria provided, single submitter. Criteria: LMM Criteria. Collection method: clinical testing. Allele origin: germline. Observed: 1 variant allele.
Comment: Gly913Gly in Exon 9 of TECTA: This variant is not expected to have clinical sign ificance because it does not alter an amino acid residue and is not located with in the splice consensus sequence.